The following is an entry in ClinVar:

NM_001184.4(ATR):c.7271T>C (p.Phe2424Ser)

Gene: ATR (ATR checkpoint kinase; minus strand). Cytogenetic location: 3q23.
Variant type: single nucleotide variant.
Coding change: c.7271T>C on transcript NM_001184.4 (MANE Select); coding-DNA position 7271, T replaced by C.
Protein change: p.Phe2424Ser; replaces phenylalanine 2424 with serine.
Molecular consequence: missense variant.
Genome position (GRCh38, 1-based): chr3:142,459,305, A>G on the plus strand (T>C on the coding strand, the complement: ATR is on the minus strand). VCF-style: chr3-142459305-A-G. GRCh37 (hg19) VCF-style: chr3-142178147-A-G.
Other names: c.7079T>C, p.Phe2360Ser (NM_001354579.2); short protein forms F2360S, F2424S.
Identifiers: ClinVar variation 3221286 (VCV003221286.1), dbSNP rs2108261687, ClinGen allele CA354797617.
Genomic context (GRCh38, chr3:142,459,305, plus strand): 5'-AATGTTCTCAGAAACCACTCATGAAAAATAGGAGGATGCCTGGGCAGGAGAAATTCTCGG[A>G]ATACTTTGAGTTTTTCAGATAAAGCTGCTGACTTTGGTAGCATACACTGGCGAAGTTCTT-3'
Protein context (NP_001175.2, residues 2414-2434): SAALSEKLKV[Phe2424Ser]REFLLPRHPP

ClinVar aggregate classification (germline): Uncertain significance (1 of 4 stars; one submission).

Conditions:
Inborn genetic diseases. Identifiers: MedGen C0950123, MeSH D030342.

Submission:

Ambry Genetics
Classification: Uncertain significance for Inborn genetic diseases. Last evaluated: 2023-09-29. Review status: criteria provided, single submitter. Criteria: Ambry Variant Classification Scheme 2023. Collection method: clinical testing. Allele origin: germline.
Comment: The p.F2424S variant (also known as c.7271T>C), located in coding exon 43 of the ATR gene, results from a T to C substitution at nucleotide position 7271. The phenylalanine at codon 2424 is replaced by serine, an amino acid with highly dissimilar properties. This amino acid position is conserved. In addition, this alteration is predicted to be deleterious by in silico analysis. Since supporting evidence is limited at this time, the clinical significance of this alteration remains unclear.